The following is an entry in ClinVar:

NM_001999.4(FBN2):c.4552G>A (p.Asp1518Asn)

Gene: FBN2 (fibrillin 2; minus strand). Cytogenetic location: 5q23.3.
Variant type: single nucleotide variant.
Coding change: c.4552G>A on transcript NM_001999.4 (MANE Select); coding-DNA position 4552, G replaced by A.
Protein change: p.Asp1518Asn; replaces aspartic acid 1518 with asparagine.
Molecular consequence: missense variant.
Genome position (GRCh38, 1-based): chr5:128,318,921, C>T on the plus strand (G>A on the coding strand, the complement: FBN2 is on the minus strand). VCF-style: chr5-128318921-C-T. GRCh37 (hg19) VCF-style: chr5-127654613-C-T.
Other names: short protein forms D1518N.
Identifiers: ClinVar variation 1741449 (VCV001741449.2), dbSNP rs754137811, ClinGen allele CA3394916.
Genomic context (GRCh38, chr5:128,318,921, plus strand): 5'-GCTGGTAACTGACCATACCTGTACAGTTCCCTCCTGTTCTGTCCAATTCATAACCATCAT[C>T]GCAGATGCAATGAAACATTCCAGGCAGGTTATTACATGTTCCAAAGACACAAATGTTTTG-3'
Protein context (NP_001990.2, residues 1508-1528): NLPGMFHCIC[Asp1518Asn]DGYELDRTGG

ClinVar aggregate classification (germline): Uncertain significance (1 of 4 stars; one submission).

Conditions:
Familial thoracic aortic aneurysm and aortic dissection (TAAD). Also called: Thoracic aortic aneurysms and dissections. Identifiers: Orphanet 91387, MedGen C4707243, MONDO:0019625.

Allele frequency attached by ClinVar (database versions not stated): gnomAD 0.00001; gnomAD exomes 0.00001; TOPMed 0.00001; ExAC 0.00002.
gnomAD v4.1: 10 of 1,611,848 alleles (0.00062%); highest among the groups gnomAD compares: Admixed American, 0.0033%; no homozygotes.

Submission:

Ambry Genetics
Classification: Uncertain significance for Familial thoracic aortic aneurysm and aortic dissection. Last evaluated: 2020-03-20. Review status: criteria provided, single submitter. Criteria: Ambry Variant Classification Scheme 2023. Collection method: clinical testing. Allele origin: germline.
Comment: The p.D1518N variant (also known as c.4552G>A), located in coding exon 35 of the FBN2 gene, results from a G to A substitution at nucleotide position 4552. The aspartic acid at codon 1518 is replaced by asparagine, an amino acid with highly similar properties. This amino acid position is well conserved in available vertebrate species; however, asparagine is the reference amino acid in other vertebrate species. In addition, this alteration is predicted to be tolerated by in silico analysis. Since supporting evidence is limited at this time, the clinical significance of this alteration remains unclear.